The following is an entry in ClinVar:

NM_001205293.3(CACNA1E):c.550G>A (p.Val184Met)

Gene: CACNA1E (calcium voltage-gated channel subunit alpha1 E; plus strand). Cytogenetic location: 1q25.3.
Variant type: single nucleotide variant.
Coding change: c.550G>A on transcript NM_001205293.3 (MANE Select); coding-DNA position 550, G replaced by A.
Protein change: p.Val184Met; replaces valine 184 with methionine.
Molecular consequence: missense variant.
Genome position (GRCh38, 1-based): chr1:181,577,803, G>A. VCF-style: chr1-181577803-G-A. GRCh37 (hg19) VCF-style: chr1-181546939-G-A.
Other names: c.550G>A, p.Val184Met (NM_000721.4, NM_001205294.2); short protein forms V184M.
Identifiers: ClinVar variation 1412127 (VCV001412127.6), dbSNP rs140645319, ClinGen allele CA34188135.

ClinVar aggregate classification (germline): Uncertain significance (1 of 4 stars; one submission).

Submission:

Labcorp Genetics (formerly Invitae), Labcorp
Classification: Uncertain significance. Last evaluated: 2026-01-04. Review status: criteria provided, single submitter. Criteria: Invitae Variant Classification Sherloc (09022015). Collection method: clinical testing. Allele origin: germline.
Comment: This sequence change replaces valine, which is neutral and non-polar, with methionine, which is neutral and non-polar, at codon 184 of the CACNA1E protein (p.Val184Met). This variant is not present in population databases (gnomAD no frequency). This variant has not been reported in the literature in individuals affected with CACNA1E-related conditions. ClinVar contains an entry for this variant (Variation ID: 1412127). Invitae Evidence Modeling of protein sequence and biophysical properties (such as structural, functional, and spatial information, amino acid conservation, physicochemical variation, residue mobility, and thermodynamic stability) has been performed for this missense variant. However, the output from this modeling did not meet the statistical confidence thresholds required to predict the impact of this variant on CACNA1E protein function. In summary, the available evidence is currently insufficient to determine the role of this variant in disease. Therefore, it has been classified as a Variant of Uncertain Significance.